The following is an entry in ClinVar:

NM_001776.6(ENTPD1):c.551A>C (p.Tyr184Ser)

Genes: ENTPD1 (ectonucleoside triphosphate diphosphohydrolase 1; plus strand), ENTPD1-AS1 (ENTPD1 antisense RNA 1; minus strand). Cytogenetic location: 10q24.1.
Variant type: single nucleotide variant.
Coding change: c.551A>C on transcript NM_001776.6 (MANE Select); coding-DNA position 551, A replaced by C.
Protein change: p.Tyr184Ser; replaces tyrosine 184 with serine.
Molecular consequence: missense variant.
Genome position (GRCh38, 1-based): chr10:95,844,613, A>C. VCF-style: chr10-95844613-A-C. GRCh37 (hg19) VCF-style: chr10-97604370-A-C.
Other names: c.572A>C, p.Tyr191Ser (NM_001098175.2); c.587A>C, p.Tyr196Ser (NM_001164178.1, NM_001320916.1); c.551A>C, p.Tyr184Ser (NM_001164179.2); c.227A>C, p.Tyr76Ser (NM_001164181.1, NM_001312654.1); c.137A>C, p.Tyr46Ser (NM_001164182.2, NM_001164183.2); short protein forms Y196S, Y46S, Y184S, Y191S, Y76S.
Identifiers: ClinVar variation 1359883 (VCV001359883.8), dbSNP rs1590121989, ClinGen allele CA377822868.

ClinVar aggregate classification (germline): Uncertain significance (1 of 4 stars; one submission).

Conditions:
Hereditary spastic paraplegia 64. Also called: Spastic paraplegia 64, autosomal recessive; ENTPD1-Related Neurodevelopmental Disorder. Identifiers: Orphanet 401810, MedGen C3810289, MONDO:0014303, OMIM 615683.

Submission:

Labcorp Genetics (formerly Invitae), Labcorp
Classification: Uncertain significance for Hereditary spastic paraplegia 64. Last evaluated: 2022-11-15. Review status: criteria provided, single submitter. Criteria: Invitae Variant Classification Sherloc (09022015). Collection method: clinical testing. Allele origin: germline.
Comment: This variant is not present in population databases (gnomAD no frequency). In summary, the available evidence is currently insufficient to determine the role of this variant in disease. Therefore, it has been classified as a Variant of Uncertain Significance. Advanced modeling of protein sequence and biophysical properties (such as structural, functional, and spatial information, amino acid conservation, physicochemical variation, residue mobility, and thermodynamic stability) performed at Invitae indicates that this missense variant is expected to disrupt ENTPD1 protein function. ClinVar contains an entry for this variant (Variation ID: 1359883). This variant has not been reported in the literature in individuals affected with ENTPD1-related conditions. This sequence change replaces tyrosine, which is neutral and polar, with serine, which is neutral and polar, at codon 184 of the ENTPD1 protein (p.Tyr184Ser).